The following is an entry in ClinVar:

ClinVar aggregate classification (germline): Uncertain significance (1 of 4 stars; one submission).

Conditions:
Hereditary sensory neuropathy-deafness-dementia syndrome. Also called: NEUROPATHY, HEREDITARY SENSORY, WITH HEARING LOSS AND DEMENTIA; Hereditary Sensory and Autonomic Neuropathy Type 1E (HSAN1E); Hereditary sensory neuropathy type IE; HSN IE. Identifiers: Orphanet 456318, MedGen C3279885, MONDO:0013584, OMIM 614116.

Allele frequency attached by ClinVar (database versions not stated): gnomAD exomes 0.00001; TOPMed 0.00001.
gnomAD v4.1: 12 of 1,552,592 alleles (0.00077%); highest among the groups gnomAD compares: South Asian, 0.0012%; no homozygotes.

Submission:

Labcorp Genetics (formerly Invitae), Labcorp
Classification: Uncertain significance for Hereditary sensory neuropathy-deafness-dementia syndrome. Last evaluated: 2025-12-14. Review status: criteria provided, single submitter. Criteria: Invitae Variant Classification Sherloc (09022015). Collection method: clinical testing. Allele origin: germline.
Comment: This sequence change replaces valine, which is neutral and non-polar, with methionine, which is neutral and non-polar, at codon 1555 of the DNMT1 protein (p.Val1555Met). This variant is not present in population databases (gnomAD no frequency). This variant has not been reported in the literature in individuals affected with DNMT1-related conditions. ClinVar contains an entry for this variant (Variation ID: 1510214). Invitae Evidence Modeling of protein sequence and biophysical properties (such as structural, functional, and spatial information, amino acid conservation, physicochemical variation, residue mobility, and thermodynamic stability) indicates that this missense variant is expected to disrupt DNMT1 protein function with a positive predictive value of 80%. In summary, the available evidence is currently insufficient to determine the role of this variant in disease. Therefore, it has been classified as a Variant of Uncertain Significance.

NM_001130823.3(DNMT1):c.4663G>A (p.Val1555Met)

Genes: DNMT1 (DNA methyltransferase 1; minus strand), LOC126862853 (CDK7 strongly-dependent group 2 enhancer GRCh37_chr19:10246117-10247316; plus strand). Cytogenetic location: 19p13.2.
Variant type: single nucleotide variant.
Coding change: c.4663G>A on transcript NM_001130823.3 (MANE Select); coding-DNA position 4663, G replaced by A.
Protein change: p.Val1555Met; replaces valine 1555 with methionine.
Molecular consequence: missense variant.
Genome position (GRCh38, 1-based): chr19:10,135,846, C>T on the plus strand (G>A on the coding strand, the complement: DNMT1 is on the minus strand). VCF-style: chr19-10135846-C-T. GRCh37 (hg19) VCF-style: chr19-10246522-C-T.
Other names: c.4624G>A, p.Val1542Met (NM_001318730.2); c.4300G>A, p.Val1434Met (NM_001318731.2); c.4615G>A, p.Val1539Met (NM_001379.4); short protein forms V1434M, V1539M, V1555M, V1542M.
Identifiers: ClinVar variation 1510214 (VCV001510214.8), dbSNP rs919486255, ClinGen allele CA305218206.